The following is an entry in ClinVar:

ClinVar aggregate classification (germline): Pathogenic (1 of 4 stars; one submission).

Conditions:
Bardet-Biedl syndrome (BBS). Identifiers: Orphanet 110, MedGen C0752166, MONDO:0015229.

Submission:

Labcorp Genetics (formerly Invitae), Labcorp
Classification: Pathogenic for Bardet-Biedl syndrome. Last evaluated: 2022-08-16. Review status: criteria provided, single submitter. Criteria: Invitae Variant Classification Sherloc (09022015). Collection method: clinical testing. Allele origin: germline.
Comment: This variant disrupts a region of the BBS12 protein in which other variant(s) (p.Ser701*) have been determined to be pathogenic (PMID: 20648243). This suggests that this is a clinically significant region of the protein, and that variants that disrupt it are likely to be disease-causing. For these reasons, this variant has been classified as Pathogenic. This variant has not been reported in the literature in individuals affected with BBS12-related conditions. This variant is not present in population databases (gnomAD no frequency). This sequence change creates a premature translational stop signal (p.Leu679*) in the BBS12 gene. While this is not anticipated to result in nonsense mediated decay, it is expected to disrupt the last 32 amino acid(s) of the BBS12 protein.

Literature cited by the submitters: PubMed 20648243.

NM_152618.3(BBS12):c.2036del (p.Asp678_Leu679insTer)

Gene: BBS12 (Bardet-Biedl syndrome 12; plus strand). Cytogenetic location: 4q27.
Variant type: Deletion.
Coding change: c.2036del on transcript NM_152618.3 (MANE Select); coding-DNA position 2036, one base deleted (T; older notation c.2036delT).
Protein change: p.Asp678_Leu679insTer.
Molecular consequence: nonsense.
Genome position (GRCh38, 1-based): chr4:122,743,928, T deleted; the last of 3 consecutive T bases (chr4:122,743,926-122,743,928); deleting any one gives the same sequence. VCF-style (leftmost placement, unchanged base first): chr4-122743925-AT-A. GRCh37 (hg19) VCF-style: chr4-123665080-AT-A.
Other names: c.2036del, p.Asp678_Leu679insTer (NM_001178007.2).
Identifiers: ClinVar variation 2021516 (VCV002021516.4), dbSNP rs2485078798, ClinGen allele CA2580071574.